The following is an entry in ClinVar:

NM_000170.3(GLDC):c.1267A>T (p.Lys423Ter)

Gene: GLDC (glycine decarboxylase; minus strand). Cytogenetic location: 9p24.1.
Variant type: single nucleotide variant.
Coding change: c.1267A>T on transcript NM_000170.3 (MANE Select); coding-DNA position 1267, A replaced by T.
Protein change: p.Lys423Ter; replaces lysine 423 with a stop codon.
Molecular consequence: nonsense.
Genome position (GRCh38, 1-based): chr9:6,592,985, T>A on the plus strand (A>T on the coding strand, the complement: GLDC is on the minus strand). VCF-style: chr9-6592985-T-A. GRCh37 (hg19) VCF-style: chr9-6592985-T-A.
Other names: short protein forms K423*.
Identifiers: ClinVar variation 5014752 (VCV005014752.1).

ClinVar aggregate classification (germline): Pathogenic (1 of 4 stars; one submission).

Conditions:
Glycine encephalopathy 1 (GCE1). Identifiers: MedGen CN376801, MONDO:0958179, OMIM 605899.

Submission:

Myriad Genetics, Inc.
Classification: Pathogenic for Glycine encephalopathy 1. Last evaluated: 2025-07-21. Review status: criteria provided, single submitter. Criteria: Myriad Autosomal Dominant, Autosomal Recessive and X-Linked Classification Criteria (2023). Collection method: clinical testing. Allele origin: unknown.
Comment: NM_000170.2(GLDC):c.1267A>T(K423*) is expected to be pathogenic in the context of glycine encephalopathy, GLDC-related. This variant is predicted to lead to an abnormal or absent protein product due to the creation of a premature termination codon in GLDC, a gene where loss-of-function variants are known to be pathogenic. Please note: this variant was assessed in the context of healthy population screening.